The following is an entry in ClinVar:

NM_000135.4(FANCA):c.874C>T (p.His292Tyr)

Gene: FANCA (FA complementation group A; minus strand). Cytogenetic location: 16q24.3.
Variant type: single nucleotide variant.
Coding change: c.874C>T on transcript NM_000135.4 (MANE Select); coding-DNA position 874, C replaced by T.
Protein change: p.His292Tyr; replaces histidine 292 with tyrosine.
Molecular consequence: missense variant.
Genome position (GRCh38, 1-based): chr16:89,799,185, G>A on the plus strand (C>T on the coding strand, the complement: FANCA is on the minus strand). VCF-style: chr16-89799185-G-A. GRCh37 (hg19) VCF-style: chr16-89865593-G-A.
Other names: c.874C>T, p.His292Tyr (NM_001018112.3, NM_001286167.3); c.778C>T, p.His260Tyr (NM_001351830.2); short protein forms H260Y, H292Y.
Identifiers: ClinVar variation 2912222 (VCV002912222.5), dbSNP rs200220791, ClinGen allele CA397472893.

ClinVar aggregate classification (germline): Conflicting classifications of pathogenicity. Review status: criteria provided, conflicting classifications (1 of 4 stars). 3 submissions from 3 submitters: Uncertain significance (2); Likely benign (1). Last evaluated 2025-03-24.

Conditions:
Inborn genetic diseases. Identifiers: MedGen C0950123, MeSH D030342.
Fanconi anemia complementation group A (FANCA). Also called: FANCA-Related Fanconi Anemia; Fanconi anemia, group A. Identifiers: Orphanet 84, MedGen C3469521, MONDO:0009215, OMIM 227650.
Fanconi anemia (FA). Also called: Fanconi's anemia. Identifiers: Orphanet 84, MedGen C0015625, MeSH D005199, MONDO:0019391.

gnomAD v4.1: 2 of 1,614,182 alleles (0.00012%); highest among the groups gnomAD compares: Admixed American, 0.0033%; no homozygotes.

Submissions (3):

Ambry Genetics
Classification: Likely benign for Inborn genetic diseases. Last evaluated: 2025-03-24. Review status: criteria provided, single submitter. Criteria: Ambry Variant Classification Scheme 2023. Collection method: clinical testing. Allele origin: germline.

Fulgent Genetics
Classification: Uncertain significance for Fanconi anemia complementation group A. Last evaluated: 2024-04-25. Review status: criteria provided, single submitter. Criteria: ACMG Guidelines, 2015. Collection method: clinical testing. Allele origin: germline.

Labcorp Genetics (formerly Invitae), Labcorp
Classification: Uncertain significance for Fanconi anemia. Last evaluated: 2022-11-27. Review status: criteria provided, single submitter. Criteria: Invitae Variant Classification Sherloc (09022015). Collection method: clinical testing. Allele origin: germline.
Comment: This sequence change replaces histidine, which is basic and polar, with tyrosine, which is neutral and polar, at codon 292 of the FANCA protein (p.His292Tyr). This variant is present in population databases (no rsID available, gnomAD 0.003%). This variant has not been reported in the literature in individuals affected with FANCA-related conditions. Advanced modeling of protein sequence and biophysical properties (such as structural, functional, and spatial information, amino acid conservation, physicochemical variation, residue mobility, and thermodynamic stability) performed at Invitae indicates that this missense variant is not expected to disrupt FANCA protein function. In summary, the available evidence is currently insufficient to determine the role of this variant in disease. Therefore, it has been classified as a Variant of Uncertain Significance.